The following is an entry in ClinVar:

ClinVar aggregate classification (germline): Likely benign. Review status: criteria provided, multiple submitters, no conflicts (2 of 4 stars). 3 submissions from 3 submitters: Likely benign (2). 1 of the submissions does not count toward it. Last evaluated 2026-01-26.

Conditions:
LRRK1-related disorder. Also called: LRRK1-related condition.

Allele frequency attached by ClinVar (database versions not stated): gnomAD exomes 0.00001 and 0.00003; ExAC 0.00007; TOPMed 0.00011; gnomAD 0.00023 and 0.00025.
gnomAD v4.1: 132 of 1,613,710 alleles (0.0082%); highest among the groups gnomAD compares: Admixed American, 0.052%; 4 homozygotes.

Submissions (3):

Labcorp Genetics (formerly Invitae), Labcorp
Classification: Likely benign. Last evaluated: 2026-01-26. Review status: criteria provided, single submitter. Criteria: Invitae Variant Classification Sherloc (09022015). Collection method: clinical testing. Allele origin: germline.

Blueprint Genetics
Classification: Likely benign. Last evaluated: 2024-11-27. Review status: criteria provided, single submitter. Criteria: ACMG Guidelines, 2015. Collection method: clinical testing. Allele origin: germline.

PreventionGenetics, part of Exact Sciences
Classification: Likely benign for LRRK1-related condition. Last evaluated: 2019-02-22. Review status: no assertion criteria provided. Collection method: clinical testing. Allele origin: germline. Not counted in ClinVar's aggregate classification.
Comment: This variant is classified as likely benign based on ACMG/AMP sequence variant interpretation guidelines (Richards et al. 2015 PMID: 25741868, with internal and published modifications).

NM_024652.6(LRRK1):c.5718C>T (p.His1906=)

Genes: LRRK1 (leucine rich repeat kinase 1; plus strand), LRRK1-AS1 (LRRK1 antisense RNA 1; minus strand). Cytogenetic location: 15q26.3.
Variant type: single nucleotide variant.
Coding change: c.5718C>T on transcript NM_024652.6 (MANE Select); coding-DNA position 5718, C replaced by T.
Protein change: p.His1906=; no amino-acid change (histidine 1906 retained).
Molecular consequence: synonymous variant.
Genome position (GRCh38, 1-based): chr15:101,066,155, C>T. VCF-style: chr15-101066155-C-T. GRCh37 (hg19) VCF-style: chr15-101606360-C-T.
Other names: c.5718C>T (NM_024652.5).
Identifiers: ClinVar variation 1597423 (VCV001597423.11), dbSNP rs373703455, ClinGen allele CA7762210.